The following is an entry in ClinVar:

ClinVar aggregate classification (germline): Conflicting classifications of pathogenicity. Review status: criteria provided, conflicting classifications (1 of 4 stars). 6 submissions from 4 submitters: Uncertain significance (4); Likely benign (1). 1 of the submissions does not count toward it. Last evaluated 2025-12-02.

Conditions:
Odonto-onycho-dermal dysplasia. Identifiers: Orphanet 2721, MedGen C0796093, MONDO:0009773, OMIM 257980.
Tooth agenesis, selective, 4 (STHAG4). Also called: SUCCEDANEOUS TEETH, AGENESIS OF; TOOTH AGENESIS, SELECTIVE, 4, WITH OR WITHOUT ECTODERMAL DYSPLASIA; LATERAL INCISORS, ABSENCE OF; LATERAL INCISORS, PEGGED OR MISSING. Identifiers: Orphanet 99798, MedGen C1835492, MONDO:0007881, OMIM 150400. Disease mechanism: loss of function.
WNT10A-related disorder. Also called: WNT10A-related condition; WNT10A-related disorders.
Schöpf-Schulz-Passarge syndrome. Also called: ECCRINE TUMORS WITH ECTODERMAL DYSPLASIA; SchC6pf-Schulz-Passarge syndrome; KERATOSIS PALMOPLANTARIS WITH CYSTIC EYELIDS, HYPODONTIA, AND HYPOTRICHOSIS. Identifiers: Orphanet 50944, MedGen C1857069, MONDO:0009145, OMIM 224750.

Allele frequency attached by ClinVar (database versions not stated): TOPMed 0.00017; ESP Exome Variant Server 0.00023.

Submissions (8):

Labcorp Genetics (formerly Invitae), Labcorp
Classification: Likely benign for Tooth agenesis, selective, 4; Odonto-onycho-dermal dysplasia. Last evaluated: 2025-12-02. Review status: criteria provided, single submitter. Criteria: Invitae Variant Classification Sherloc (09022015). Collection method: clinical testing. Allele origin: germline.

Fulgent Genetics
Classification: Uncertain significance for Tooth agenesis, selective, 4; Schöpf-Schulz-Passarge syndrome; Odonto-onycho-dermal dysplasia. Last evaluated: 2024-05-20. Review status: criteria provided, single submitter. Criteria: ACMG Guidelines, 2015. Collection method: clinical testing. Allele origin: germline.

Illumina Laboratory Services, Illumina
Classification: Uncertain significance for Odonto-onycho-dermal dysplasia. Last evaluated: 2018-01-13. Review status: criteria provided, single submitter. Criteria: ICSL Variant Classification Criteria 13 December 2019. Collection method: clinical testing. Allele origin: germline.

Illumina Laboratory Services, Illumina
Classification: Uncertain significance for Tooth agenesis, selective, 4. Last evaluated: 2018-01-13. Review status: criteria provided, single submitter. Criteria: ICSL Variant Classification Criteria 13 December 2019. Collection method: clinical testing. Allele origin: germline.

Illumina Laboratory Services, Illumina
Classification: Uncertain significance for Schöpf-Schulz-Passarge syndrome. Last evaluated: 2018-01-13. Review status: criteria provided, single submitter. Criteria: ICSL Variant Classification Criteria 13 December 2019. Collection method: clinical testing. Allele origin: germline.

PreventionGenetics, part of Exact Sciences
Classification: Uncertain significance for WNT10A-related condition. Last evaluated: 2024-05-09. Review status: no assertion criteria provided. Collection method: clinical testing. Allele origin: germline. Not counted in ClinVar's aggregate classification.
Comment: The WNT10A c.719C>T variant is predicted to result in the amino acid substitution p.Ala240Val. This variant has been observed in an individual from a cohort of patients with head and neck squamous cell carcinoma (HNSCC), along with a deletion and another missense variant in the same gene (Table 2, Aditya et al. 2021. PubMed ID: 33840169); however, the authors concluded that further investigations are necessary to identify the consequences and association of this variation with HNSCC. This variant is reported in 0.031% of alleles in individuals of East Asian descent in gnomAD. At this time, the clinical significance of this variant is uncertain due to the absence of conclusive functional and genetic evidence.

Dr. Peter K. Rogan Lab, Western University
No classification provided (evidence only). Condition: Squamous cell carcinoma of the head and neck. Review status: no classification provided. Collection method: in vitro. Allele origin: not applicable. Functional consequence: skipped exon, retained intron. Not counted in ClinVar's aggregate classification.

Dr. Peter K. Rogan Lab, Western University
No classification provided (evidence only). Condition: Ovarian serous cystadenocarcinoma. Review status: no classification provided. Collection method: in vitro. Allele origin: not applicable. Functional consequence: retained intron. Not counted in ClinVar's aggregate classification.

NM_025216.3(WNT10A):c.719C>T (p.Ala240Val)

Gene: WNT10A (Wnt family member 10A; plus strand). Cytogenetic location: 2q35.
Variant type: single nucleotide variant.
Coding change: c.719C>T on transcript NM_025216.3 (MANE Select); coding-DNA position 719, C replaced by T.
Protein change: p.Ala240Val; replaces alanine 240 with valine.
Molecular consequence: missense variant.
Genome position (GRCh38, 1-based): chr2:218,890,326, C>T. VCF-style: chr2-218890326-C-T. GRCh37 (hg19) VCF-style: chr2-219755048-C-T.
Other names: short protein forms A240V.
Identifiers: ClinVar variation 898019 (VCV000898019.15), dbSNP rs201578578, ClinGen allele CA2114010.
Genomic context (GRCh38, chr2:218,890,326, plus strand): 5'-TCGGGGAGCGCTTTTCTAAGGACTTTCTGGACTCCCGGGAGCCTCACAGAGACATCCACG[C>T]GAGAATGAGGCTTCACAACAACCGAGTTGGGAGGCAGGTGAGAGCCCCACCCCTGGGTCT-3'
Protein context (NP_079492.2, residues 230-250): DSREPHRDIH[Ala240Val]RMRLHNNRVG